The following is an entry in ClinVar:

NM_000038.6(APC):c.6446A>T (p.His2149Leu)

Gene: APC (APC regulator of Wnt signaling pathway; plus strand). Cytogenetic location: 5q22.2.
Variant type: single nucleotide variant.
Coding change: c.6446A>T on transcript NM_000038.6 (MANE Select); coding-DNA position 6446, A replaced by T.
Protein change: p.His2149Leu; replaces histidine 2149 with leucine.
Molecular consequence: missense variant.
Genome position (GRCh38, 1-based): chr5:112,842,040, A>T. VCF-style: chr5-112842040-A-T. GRCh37 (hg19) VCF-style: chr5-112177737-A-T.
Other names: c.6446A>T, p.His2149Leu (NM_001127510.3, NM_001354895.2); c.6392A>T, p.His2131Leu (NM_001127511.3); c.6500A>T, p.His2167Leu (NM_001354896.2); c.6476A>T, p.His2159Leu (NM_001354897.2); c.6371A>T, p.His2124Leu (NM_001354898.2); c.6362A>T, p.His2121Leu (NM_001354899.2); c.6323A>T, p.His2108Leu (NM_001354900.2); c.6269A>T, p.His2090Leu (NM_001354901.2); and 5 more; short protein forms H1866L, H1989L, H2023L, H2048L, H2058L, H2090L, H2108L, H2121L.
Identifiers: ClinVar variation 1052209 (VCV001052209.10), dbSNP rs749230730, ClinGen allele CA16035436.
Genomic context (GRCh38, chr5:112,842,040, plus strand): 5'-CGTCTGATTCAGATTCCATCCTTTCCCTGAAATCAGGAATCTCTCTGGGATCACCATTTC[A>T]TCTTACACCTGATCAAGAAGAAAAACCCTTTACAAGTAATAAAGGCCCACGAATTCTAAA-3'
Protein context (NP_000029.2, residues 2139-2159): KSGISLGSPF[His2149Leu]LTPDQEEKPF

ClinVar aggregate classification (germline): Uncertain significance (1 of 4 stars; one submission).

Conditions:
Familial adenomatous polyposis 1 (FAP1). Also called: POLYPOSIS, ADENOMATOUS INTESTINAL; FAMILIAL ADENOMATOUS POLYPOSIS 1, ATTENUATED. Identifiers: MedGen C2713442, MONDO:0021056, OMIM 175100. Disease mechanism: loss of function.

Submission:

Labcorp Genetics (formerly Invitae), Labcorp
Classification: Uncertain significance for Familial adenomatous polyposis 1. Last evaluated: 2020-08-24. Review status: criteria provided, single submitter. Criteria: Invitae Variant Classification Sherloc (09022015). Collection method: clinical testing. Allele origin: germline.
Comment: This sequence change replaces histidine with leucine at codon 2149 of the APC protein (p.His2149Leu). The histidine residue is highly conserved and there is a moderate physicochemical difference between histidine and leucine. This variant is not present in population databases (ExAC no frequency). This variant has not been reported in the literature in individuals with APC-related conditions. Algorithms developed to predict the effect of missense changes on protein structure and function are either unavailable or do not agree on the potential impact of this missense change (SIFT: "Deleterious"; PolyPhen-2: "Probably Damaging"; Align-GVGD: "Class C15"). In summary, the available evidence is currently insufficient to determine the role of this variant in disease. Therefore, it has been classified as a Variant of Uncertain Significance.